The following is an entry in ClinVar:

ClinVar aggregate classification (germline): Pathogenic (1 of 4 stars; one submission).

Conditions:
Mowat-Wilson syndrome (MOWS). Also called: Classic Mowat-Wilson Syndrome. Identifiers: Orphanet 2152, MedGen C1856113, MONDO:0009341, OMIM 235730.

Submission:

Labcorp Genetics (formerly Invitae), Labcorp
Classification: Pathogenic for Mowat-Wilson syndrome. Last evaluated: 2023-07-17. Review status: criteria provided, single submitter. Criteria: Invitae Variant Classification Sherloc (09022015). Collection method: clinical testing. Allele origin: germline.
Comment: This sequence change creates a premature translational stop signal (p.Ser792Phefs*3) in the ZEB2 gene. It is expected to result in an absent or disrupted protein product. Loss-of-function variants in ZEB2 are known to be pathogenic (PMID: 16053902). This variant is not present in population databases (gnomAD no frequency). This variant has not been reported in the literature in individuals affected with ZEB2-related conditions. ClinVar contains an entry for this variant (Variation ID: 1454365). For these reasons, this variant has been classified as Pathogenic.

Literature cited by the submitters: PubMed 16053902.

NM_014795.4(ZEB2):c.2374dup (p.Ser792fs)

Gene: ZEB2 (zinc finger E-box binding homeobox 2; minus strand). Cytogenetic location: 2q22.3.
Variant type: Duplication.
Coding change: c.2374dup on transcript NM_014795.4 (MANE Select); coding-DNA position 2374, one base duplicated (T; older notation c.2374dupT).
Protein change: p.Ser792fs; shifts the reading frame from serine 792.
Molecular consequence: frameshift variant.
Genome position (GRCh38, 1-based): chr2:144,398,813, A duplicated on the plus strand (T on the coding strand, the reverse complement: ZEB2 is on the minus strand). VCF-style (leftmost placement, unchanged base first): chr2-144398812-G-GA. GRCh37 (hg19) VCF-style: chr2-145156379-G-GA.
Other names: c.2302dup, p.Ser768fs (NM_001171653.2); short protein forms S792fs, S768fs.
Identifiers: ClinVar variation 1454365 (VCV001454365.6), dbSNP rs2149876649, ClinGen allele CA2573133274.